The following is an entry in ClinVar:

ClinVar aggregate classification (germline): Uncertain significance (0 of 4 stars; one submission).

Allele frequency attached by ClinVar (database versions not stated): gnomAD 0.00001.
gnomAD v4.1: 2 of 1,246,800 alleles (0.00016%); highest among the groups gnomAD compares: Admixed American, 0.0042%; no homozygotes.

Submission:

Department of Pathology and Laboratory Medicine, Sinai Health System
Classification: Uncertain significance. Review status: no assertion criteria provided. Collection method: clinical testing. Allele origin: unknown. Affected: yes. Study: The Canadian Open Genetics Repository (COGR).
Comment: The SOX4 p.Arg359Cys variant was not identified in the literature nor was it identified in ClinVar. The variant was identified in dbSNP (ID: rs1380808039) and in control databases in 1 of 41630 chromosomes at a frequency of 0.00002402 (Genome Aggregation Database March 6, 2019, v2.1.1). The variant was observed in the Latino population in 1 of 1314 chromosomes (freq: 0.000761), but was not observed in the African, Ashkenazi Jewish, East Asian, European (Finnish), European (non-Finnish), Other, or South Asian populations. The p.Arg359 residue is conserved in mammals but not in more distantly related organisms, and computational analyses (PolyPhen-2, SIFT, AlignGVGD, BLOSUM, MutationTaster) suggest that the variant may impact the protein; however, this information is not predictive enough to assume pathogenicity. The variant occurs outside of the splicing consensus sequence and in silico or computational prediction software programs (SpliceSiteFinder, MaxEntScan, NNSPLICE, GeneSplicer) do not predict a difference in splicing. In summary, based on the above information the clinical significance of this variant cannot be determined with certainty at this time. This variant is classified as a variant of uncertain significance.

NM_003107.3(SOX4):c.1075C>T (p.Arg359Cys)

Gene: SOX4 (SRY-box transcription factor 4; plus strand). Cytogenetic location: 6p22.3.
Variant type: single nucleotide variant.
Coding change: c.1075C>T on transcript NM_003107.3 (MANE Select); coding-DNA position 1075, C replaced by T.
Protein change: p.Arg359Cys; replaces arginine 359 with cysteine.
Molecular consequence: missense variant.
Genome position (GRCh38, 1-based): chr6:21,595,609, C>T. VCF-style: chr6-21595609-C-T. GRCh37 (hg19) VCF-style: chr6-21595840-C-T.
Other names: short protein forms R359C.
Identifiers: ClinVar variation 1049946 (VCV001049946.1), dbSNP rs1380808039, ClinGen allele CA363271904.